The following is an entry in ClinVar:

ClinVar aggregate classification (germline): Uncertain significance. Review status: criteria provided, multiple submitters, no conflicts (2 of 4 stars). 2 submissions from 2 submitters: Uncertain significance (2). Last evaluated 2022-07-05.

Conditions:
Achondrogenesis, type IA (ACG1A). Identifiers: Orphanet 932, Orphanet 93299, MedGen C0265273, MONDO:0008701, OMIM 200600.

Allele frequency attached by ClinVar (database versions not stated): gnomAD exomes 0.00001; ExAC 0.00002; gnomAD 0.00003; TOPMed 0.00003.
gnomAD v4.1: 15 of 1,613,984 alleles (0.00093%); highest among the groups gnomAD compares: Middle Eastern, 0.016%; no homozygotes.

Submissions (2):

Labcorp Genetics (formerly Invitae), Labcorp
Classification: Uncertain significance for Achondrogenesis, type IA. Last evaluated: 2022-07-05. Review status: criteria provided, single submitter. Criteria: Invitae Variant Classification Sherloc (09022015). Collection method: clinical testing. Allele origin: germline.
Comment: Algorithms developed to predict the effect of missense changes on protein structure and function output the following: SIFT: "Not Available"; PolyPhen-2: "Benign"; Align-GVGD: "Not Available". The alanine amino acid residue is found in multiple mammalian species, which suggests that this missense change does not adversely affect protein function. This variant has not been reported in the literature in individuals affected with TRIP11-related conditions. This variant is present in population databases (rs768198425, gnomAD 0.004%). This sequence change replaces threonine, which is neutral and polar, with alanine, which is neutral and non-polar, at codon 709 of the TRIP11 protein (p.Thr709Ala). In summary, the available evidence is currently insufficient to determine the role of this variant in disease. Therefore, it has been classified as a Variant of Uncertain Significance.

ARUP Laboratories, Molecular Genetics and Genomics, ARUP Laboratories
Classification: Uncertain significance. Last evaluated: 2022-04-08. Review status: criteria provided, single submitter. Criteria: ARUP Molecular Germline Variant Investigation Process 2021. Collection method: clinical testing. Allele origin: germline.
Comment: The TRIP11 c.2125A>G; p.Thr709Ala variant (rs768198425), to our knowledge, is not reported in the medical literature or gene specific databases. This variant is found in the general population with an overall allele frequency of 0.0018% (5/282,106 alleles) in the Genome Aggregation Database. The threonine at codon 709 is moderately conserved, but computational analyses predict that this variant is neutral (REVEL: 0.058). Due to limited information, the clinical significance of the p.Thr709Ala variant is uncertain at this time.

NM_004239.4(TRIP11):c.2125A>G (p.Thr709Ala)

Gene: TRIP11 (thyroid hormone receptor interactor 11; minus strand). Cytogenetic location: 14q32.12.
Variant type: single nucleotide variant.
Coding change: c.2125A>G on transcript NM_004239.4 (MANE Select); coding-DNA position 2125, A replaced by G.
Protein change: p.Thr709Ala; replaces threonine 709 with alanine.
Molecular consequence: missense variant.
Genome position (GRCh38, 1-based): chr14:92,005,851, T>C on the plus strand (A>G on the coding strand, the complement: TRIP11 is on the minus strand). VCF-style: chr14-92005851-T-C. GRCh37 (hg19) VCF-style: chr14-92472195-T-C.
Other names: c.2122A>G, p.Thr708Ala (NM_001321851.1); short protein forms T708A, T709A.
Identifiers: ClinVar variation 2061259 (VCV002061259.7), dbSNP rs768198425, ClinGen allele CA7313828.
Genomic context (GRCh38, chr14:92,005,851, plus strand): 5'-TAGCCCAACACAATTCTGCCTCTATCTCTCCTTTTTCCATTTTTAGAGTCTCCACAATAG[T>C]GTTTTTTTCCAGAGAAAGCTGATTGTTACCAGCAAGACATTCTTCTAACTGATGCCTCAC-3'
Protein context (NP_004230.2, residues 699-719): GNNQLSLEKN[Thr709Ala]IVETLKMEKG